The following is an entry in ClinVar:

ClinVar aggregate classification (germline): Uncertain significance. Review status: criteria provided, multiple submitters, no conflicts (2 of 4 stars). 2 submissions from 2 submitters: Uncertain significance (2). Last evaluated 2024-12-16.

Conditions:
Sneddon syndrome (SNDNS). Also called: Idiopathic livedo reticularis with systemic involvement; LIVEDO RETICULARIS AND CEREBROVASCULAR ACCIDENTS. Identifiers: Orphanet 820, MedGen C0282492, MONDO:0008436, OMIM 182410.
Deficiency of adenosine deaminase 2. Also called: VASCULITIS, AUTOINFLAMMATION, IMMUNODEFICIENCY, AND HEMATOLOGIC DEFECTS SYNDROME; Polyarteritis nodosa, childhoood-onset; Adenosine Deaminase 2 Deficiency. Identifiers: Orphanet 404553, MedGen C3887654, MONDO:0014306, OMIM 615688, MONDO:0100317.

Allele frequency attached by ClinVar (database versions not stated): ExAC 0.00001; gnomAD 0.00001; gnomAD exomes 0.00003; TOPMed 0.00003.
gnomAD v4.1: 18 of 1,613,602 alleles (0.0011%); highest among the groups gnomAD compares: Admixed American, 0.028%; no homozygotes.

Submissions (2):

Labcorp Genetics (formerly Invitae), Labcorp
Classification: Uncertain significance for Deficiency of adenosine deaminase 2. Last evaluated: 2024-12-16. Review status: criteria provided, single submitter. Criteria: Invitae Variant Classification Sherloc (09022015). Collection method: clinical testing. Allele origin: germline.
Comment: This sequence change replaces isoleucine, which is neutral and non-polar, with leucine, which is neutral and non-polar, at codon 367 of the ADA2 protein (p.Ile367Leu). This variant is present in population databases (rs780583418, gnomAD 0.02%). This variant has not been reported in the literature in individuals affected with ADA2-related conditions. ClinVar contains an entry for this variant (Variation ID: 1398559). Invitae Evidence Modeling of protein sequence and biophysical properties (such as structural, functional, and spatial information, amino acid conservation, physicochemical variation, residue mobility, and thermodynamic stability) indicates that this missense variant is not expected to disrupt ADA2 protein function with a negative predictive value of 80%. In summary, the available evidence is currently insufficient to determine the role of this variant in disease. Therefore, it has been classified as a Variant of Uncertain Significance.

Fulgent Genetics
Classification: Uncertain significance for Sneddon syndrome; Deficiency of adenosine deaminase 2. Last evaluated: 2024-04-01. Review status: criteria provided, single submitter. Criteria: ACMG Guidelines, 2015. Collection method: clinical testing. Allele origin: germline.

NM_001282225.2(ADA2):c.1099A>C (p.Ile367Leu)

Gene: ADA2 (adenosine deaminase 2; minus strand). Cytogenetic location: 22q11.1.
Variant type: single nucleotide variant.
Coding change: c.1099A>C on transcript NM_001282225.2 (MANE Select); coding-DNA position 1099, A replaced by C.
Protein change: p.Ile367Leu; replaces isoleucine 367 with leucine.
Molecular consequence: missense variant.
Genome position (GRCh38, 1-based): chr22:17,182,744, T>G on the plus strand (A>C on the coding strand, the complement: ADA2 is on the minus strand). VCF-style: chr22-17182744-T-G. GRCh37 (hg19) VCF-style: chr22-17663634-T-G.
Other names: c.1099A>C, p.Ile367Leu (NM_001282226.2); c.973A>C, p.Ile325Leu (NM_001282227.2, NM_001282228.2); c.739A>C, p.Ile247Leu (NM_001282229.2); c.376A>C, p.Ile126Leu (NM_177405.3); short protein forms I126L, I247L, I367L, I325L.
Identifiers: ClinVar variation 1398559 (VCV001398559.8), dbSNP rs780583418, ClinGen allele CA10087953.